The following is an entry in ClinVar:

ClinVar aggregate classification (germline): Uncertain significance (1 of 4 stars; one submission).

Conditions:
Charcot-Marie-Tooth disease type 2. Also called: Charcot-Marie-Tooth type 2. Identifiers: Orphanet 64746, MedGen C0270914, MONDO:0018993.

Submission:

Labcorp Genetics (formerly Invitae), Labcorp
Classification: Uncertain significance for Charcot-Marie-Tooth disease type 2. Last evaluated: 2024-02-17. Review status: criteria provided, single submitter. Criteria: Invitae Variant Classification Sherloc (09022015). Collection method: clinical testing. Allele origin: germline.
Comment: This sequence change replaces alanine, which is neutral and non-polar, with threonine, which is neutral and polar, at codon 193 of the LMNA protein (p.Ala193Thr). This variant is not present in population databases (gnomAD no frequency). This variant has not been reported in the literature in individuals affected with LMNA-related conditions. Advanced modeling of protein sequence and biophysical properties (such as structural, functional, and spatial information, amino acid conservation, physicochemical variation, residue mobility, and thermodynamic stability) performed at Invitae indicates that this missense variant is expected to disrupt LMNA protein function with a positive predictive value of 95%. In summary, the available evidence is currently insufficient to determine the role of this variant in disease. Therefore, it has been classified as a Variant of Uncertain Significance.

NM_170707.4(LMNA):c.577G>A (p.Ala193Thr)

Gene: LMNA (lamin A/C; plus strand). Cytogenetic location: 1q22.
Variant type: single nucleotide variant.
Coding change: c.577G>A on transcript NM_170707.4 (MANE Select); coding-DNA position 577, G replaced by A.
Protein change: p.Ala193Thr; replaces alanine 193 with threonine.
Molecular consequence: missense variant. On other transcripts: 5 prime UTR variant (4).
Genome position (GRCh38, 1-based): chr1:156,134,466, G>A. VCF-style: chr1-156134466-G-A. GRCh37 (hg19) VCF-style: chr1-156104257-G-A.
Other names: c.334G>A, p.Ala112Thr (NM_001406986.1, NM_001406987.1, NM_001282624.2); c.280G>A, p.Ala94Thr (NM_001406988.1); c.241G>A, p.Ala81Thr (NM_001406989.1, NM_001257374.3, NM_001406998.1); c.19G>A, p.Ala7Thr (NM_001406990.1, NM_001406993.1, NM_001406995.1 and 4 more transcripts); c.577G>A, p.Ala193Thr (NM_001406991.1, NM_001406992.1, NM_170708.4 and 6 more transcripts); c.-88G>A (NM_001406994.1, NM_001406999.1, NM_001407000.1 and 1 more transcripts); short protein forms A7T, A81T, A94T, A112T, A193T.
Identifiers: ClinVar variation 3633626 (VCV003633626.2).